The following is an entry in ClinVar:

NM_024675.4(PALB2):c.510A>C (p.Arg170Ser)

Gene: PALB2 (partner and localizer of BRCA2; minus strand). Cytogenetic location: 16p12.2.
Variant type: single nucleotide variant.
Coding change: c.510A>C on transcript NM_024675.4 (MANE Select); coding-DNA position 510, A replaced by C.
Protein change: p.Arg170Ser; replaces arginine 170 with serine.
Molecular consequence: missense variant.
Genome position (GRCh38, 1-based): chr16:23,636,036, T>G on the plus strand (A>C on the coding strand, the complement: PALB2 is on the minus strand). VCF-style: chr16-23636036-T-G. GRCh37 (hg19) VCF-style: chr16-23647357-T-G.
Other names: short protein forms R170S.
Identifiers: ClinVar variation 410201 (VCV000410201.22), dbSNP rs1060502796, ClinGen allele CA16615302.
Genomic context (GRCh38, chr16:23,636,036, plus strand): 5'-TGATCTAGCAGGATTTTTGCTACTGATTTCTTCCTGTTCCTTTAGTCTTTTCCCAGACAA[T>G]CTGAGTGAATCAGTGCCAAAGACACAGTCTCTCTCCTGTGAAATAAATGTCCTCTTCTGC-3'
Protein context (NP_078951.2, residues 160-180): RDCVFGTDSL[Arg170Ser]LSGKRLKEQE

ClinVar aggregate classification (germline): Conflicting classifications of pathogenicity. Review status: criteria provided, conflicting classifications (1 of 4 stars). 5 submissions from 5 submitters: Uncertain significance (4); Likely benign (1). Last evaluated 2025-06-24.

Conditions:
Hereditary cancer-predisposing syndrome. Also called: Hereditary neoplastic syndrome; Neoplastic Syndromes, Hereditary; Tumor predisposition; Hereditary Cancer Syndrome. Identifiers: Orphanet 140162, MedGen C0027672, MeSH D009386, MONDO:0015356.
Familial cancer of breast. Also called: Hereditary breast cancer; hereditary breast carcinoma; BREAST CANCER, FAMILIAL. Identifiers: Orphanet 227535, MedGen C0346153, MONDO:0016419, OMIM 114480. Disease mechanism: loss of function.
Fanconi anemia complementation group N. Also called: PALB2-Related Fanconi Anemia. Identifiers: Orphanet 84, MedGen C1835817, MONDO:0012565, OMIM 610832. Disease mechanism: loss of function.

Submissions (5):

Labcorp Genetics (formerly Invitae), Labcorp
Classification: Uncertain significance for Familial cancer of breast. Last evaluated: 2025-06-24. Review status: criteria provided, single submitter. Criteria: Invitae Variant Classification Sherloc (09022015). Collection method: clinical testing. Allele origin: germline.
Comment: This sequence change replaces arginine, which is basic and polar, with serine, which is neutral and polar, at codon 170 of the PALB2 protein (p.Arg170Ser). This variant is not present in population databases (gnomAD no frequency). This variant has not been reported in the literature in individuals affected with PALB2-related conditions. ClinVar contains an entry for this variant (Variation ID: 410201). An algorithm developed to predict the effect of missense changes on protein structure and function (PolyPhen-2) suggests that this variant is likely to be tolerated. In summary, the available evidence is currently insufficient to determine the role of this variant in disease. Therefore, it has been classified as a Variant of Uncertain Significance.

Ambry Genetics
Classification: Likely benign for Hereditary cancer-predisposing syndrome. Last evaluated: 2024-03-27. Review status: criteria provided, single submitter. Criteria: Ambry Variant Classification Scheme 2023. Collection method: clinical testing. Allele origin: germline.

Color Diagnostics, LLC DBA Color Health
Classification: Uncertain significance for Hereditary cancer-predisposing syndrome. Last evaluated: 2023-12-05. Review status: criteria provided, single submitter. Criteria: ACMG Guidelines, 2015. Collection method: clinical testing. Allele origin: germline.
Comment: This missense variant replaces arginine with serine at codon 170 of the PALB2 protein. Computational prediction suggests that this variant may not impact protein structure and function (internally defined REVEL score threshold <= 0.5, PMID: 27666373). To our knowledge, functional studies have not been reported for this variant. This variant has not been reported in individuals affected with PALB2-related disorders in the literature. This variant has not been identified in the general population by the Genome Aggregation Database (gnomAD). The available evidence is insufficient to determine the role of this variant in disease conclusively. Therefore, this variant is classified as a Variant of Uncertain Significance.

Quest Diagnostics Nichols Institute San Juan Capistrano
Classification: Uncertain significance. Last evaluated: 2023-05-07. Review status: criteria provided, single submitter. Criteria: Quest Diagnostics criteria. Collection method: clinical testing. Allele origin: unknown.
Comment: The variant has not been reported in the published literature. It also has not been reported in large, multi-ethnic general populations. Analysis of this variant using bioinformatics tools for the prediction of the effect of amino acid changes on protein structure and function yielded predictions that this variant is benign. Based on the available information, we are unable to determine the clinical significance of this variant.

Baylor Genetics
Classification: Uncertain significance for Fanconi anemia complementation group N. Last evaluated: 2019-05-08. Review status: criteria provided, single submitter. Criteria: ACMG Guidelines, 2015. Collection method: clinical testing. Allele origin: maternal. Affected: yes. Study: CSER-TexasKidsCanSeq.
Comment: This variant was determined to be of uncertain significance according to ACMG Guidelines, 2015 [PMID:25741868].